The following is an entry in ClinVar:

NM_019066.5(MAGEL2):c.871C>T (p.Pro291Ser)

Gene: MAGEL2 (MAGE family member L2; minus strand). Cytogenetic location: 15q11.2.
Variant type: single nucleotide variant.
Coding change: c.871C>T on transcript NM_019066.5 (MANE Select); coding-DNA position 871, C replaced by T.
Protein change: p.Pro291Ser; replaces proline 291 with serine.
Molecular consequence: missense variant.
Genome position (GRCh38, 1-based): chr15:23,646,872, G>A on the plus strand (C>T on the coding strand, the complement: MAGEL2 is on the minus strand). VCF-style: chr15-23646872-G-A. GRCh37 (hg19) VCF-style: chr15-23892019-G-A.
Other names: short protein forms P291S.
Identifiers: ClinVar variation 1974183 (VCV001974183.6), dbSNP rs2503982882, ClinGen allele CA391335650.

ClinVar aggregate classification (germline): Uncertain significance. Review status: criteria provided, multiple submitters, no conflicts (2 of 4 stars). 2 submissions from 2 submitters: Uncertain significance (2). Last evaluated 2024-02-17.

Conditions:
Inborn genetic diseases. Identifiers: MedGen C0950123, MeSH D030342.

Submissions (2):

Labcorp Genetics (formerly Invitae), Labcorp
Classification: Uncertain significance. Last evaluated: 2024-02-17. Review status: criteria provided, single submitter. Criteria: Invitae Variant Classification Sherloc (09022015). Collection method: clinical testing. Allele origin: germline.
Comment: This sequence change replaces proline, which is neutral and non-polar, with serine, which is neutral and polar, at codon 291 of the MAGEL2 protein (p.Pro291Ser). This variant is not present in population databases (gnomAD no frequency). This variant has not been reported in the literature in individuals affected with MAGEL2-related conditions. ClinVar contains an entry for this variant (Variation ID: 1974183). Experimental studies and prediction algorithms are not available or were not evaluated, and the functional significance of this variant is currently unknown. In summary, the available evidence is currently insufficient to determine the role of this variant in disease. Therefore, it has been classified as a Variant of Uncertain Significance.

Ambry Genetics
Classification: Uncertain significance for Inborn genetic diseases. Last evaluated: 2022-06-15. Review status: criteria provided, single submitter. Criteria: Ambry Variant Classification Scheme 2023. Collection method: clinical testing. Allele origin: germline.
Comment: The c.871C>T (p.P291S) alteration is located in exon 1 (coding exon 1) of the MAGEL2 gene. This alteration results from a C to T substitution at nucleotide position 871, causing the proline (P) at amino acid position 291 to be replaced by a serine (S). This variant was not reported in population-based cohorts in the Genome Aggregation Database (gnomAD). This amino acid position is not well conserved in available vertebrate species. This alteration is predicted to be tolerated by in silico analysis. Based on insufficient or conflicting evidence, the clinical significance of this alteration remains unclear.